The following is an entry in ClinVar:

NM_022489.4(INF2):c.2897A>G (p.Lys966Arg)

Gene: INF2 (inverted formin 2; plus strand). Cytogenetic location: 14q32.33.
Variant type: single nucleotide variant.
Coding change: c.2897A>G on transcript NM_022489.4 (MANE Select); coding-DNA position 2897, A replaced by G.
Protein change: p.Lys966Arg; replaces lysine 966 with arginine.
Molecular consequence: missense variant.
Genome position (GRCh38, 1-based): chr14:104,713,463, A>G. VCF-style: chr14-104713463-A-G. GRCh37 (hg19) VCF-style: chr14-105179800-A-G.
Other names: c.2897A>G, p.Lys966Arg (NM_001031714.4); short protein forms K966R.
Identifiers: ClinVar variation 246525 (VCV000246525.2), dbSNP rs879254296, ClinGen allele CA10584488.

ClinVar aggregate classification (germline): Uncertain significance (1 of 4 stars; one submission).

Allele frequency attached by ClinVar (database versions not stated): gnomAD exomes below 0.00001; gnomAD 0.00001; TOPMed 0.00001.
gnomAD v4.1: 3 of 1,611,096 alleles (0.00019%); highest among the groups gnomAD compares: Non-Finnish European, 0.00025%; no homozygotes.

Submission:

GeneDx
Classification: Uncertain significance. Last evaluated: 2016-04-01. Review status: criteria provided, single submitter. Criteria: GeneDx Variant Classification (06012015). Collection method: clinical testing. Allele origin: germline. Affected: yes.
Comment: The K966R variant has not been published as a pathogenic variant, nor has it been reported as a benign variant to our knowledge. It was not observed in approximately 6,200 individuals of European and African American ancestry in the NHLBI Exome Sequencing Project, indicating it is not a common benign variant in these populations. The K966R variant is a conservative amino acid substitution, which is not likely to impact secondary protein structure as these residues share similar properties. This substitution occurs at a position that is not conserved. However, in silico analysis is inconsistent in its predictions as to whether or not the variant is damaging to the protein structure/function. Therefore, based on the currently available information, it is unclear whether this variant is a pathogenic variant or a rare benign variant.